The following is an entry in ClinVar:

ClinVar aggregate classification (germline): Uncertain significance (1 of 4 stars; one submission).

Conditions:
Malignant hyperthermia, susceptibility to, 1 (MHS1). Also called: Anesthesia related hyperthermia; Malignant hyperpyrexia; Fulminating hyperpyrexia; Pharmacogenic myopathy; RYR1-Related Malignant Hyperthermia Susceptibility; Malignant hyperthermia suceptibility 1. Identifiers: Orphanet 423, MedGen C2930980, MONDO:0007783, OMIM 145600.

Submission:

All of Us Research Program, National Institutes of Health
Classification: Uncertain significance for Malignant hyperthermia, susceptibility to, 1. Last evaluated: 2023-11-02. Review status: criteria provided, single submitter. Criteria: ACMG Guidelines, 2015. Collection method: clinical testing. Allele origin: germline. Inheritance: Autosomal dominant inheritance. Observed: 1 variant allele, 1 heterozygote.
Comment: This missense variant replaces alanine with proline at codon 2200 of the RYR1 protein. Computational prediction suggests that this variant may have deleterious impact on protein structure and function (internally defined REVEL score threshold >= 0.7, PMID: 27666373). To our knowledge, functional studies have not been reported for this variant. This variant has not been reported in individuals affected with RYR1-related disorders in the literature. This variant has not been identified in the general population by the Genome Aggregation Database (gnomAD). The available evidence is insufficient to determine the role of this variant in disease conclusively. Therefore, this variant is classified as a Variant of Uncertain Significance.

This study involves interpretation of variants in research participants for the purpose of population health screening. Participant phenotype was not available at the time of variant classification. Additional details can be found in publication PMID: 35346344, PMCID: PMC8962531

NM_000540.3(RYR1):c.6598G>C (p.Ala2200Pro)

Gene: RYR1 (ryanodine receptor 1; plus strand). Cytogenetic location: 19q13.2.
Variant type: single nucleotide variant.
Coding change: c.6598G>C on transcript NM_000540.3 (MANE Select); coding-DNA position 6598, G replaced by C.
Protein change: p.Ala2200Pro; replaces alanine 2200 with proline.
Molecular consequence: missense variant.
Genome position (GRCh38, 1-based): chr19:38,496,264, G>C. VCF-style: chr19-38496264-G-C. GRCh37 (hg19) VCF-style: chr19-38986904-G-C.
Other names: c.6598G>C, p.Ala2200Pro (NM_001042723.2); short protein forms A2200P.
Identifiers: ClinVar variation 3074309 (VCV003074309.1), dbSNP rs770978450, ClinGen allele CA405665786.